The following is an entry in ClinVar:

NM_004333.6(BRAF):c.2101A>G (p.Arg701Gly)

Gene: BRAF (B-Raf proto-oncogene, serine/threonine kinase; minus strand). Cytogenetic location: 7q34.
Variant type: single nucleotide variant.
Coding change: c.2101A>G on transcript NM_004333.6 (MANE Select); coding-DNA position 2101, A replaced by G.
Protein change: p.Arg701Gly; replaces arginine 701 with glycine.
Molecular consequence: missense variant.
Genome position (GRCh38, 1-based): chr7:140,739,838, T>C on the plus strand (A>G on the coding strand, the complement: BRAF is on the minus strand). VCF-style: chr7-140739838-T-C. GRCh37 (hg19) VCF-style: chr7-140439638-T-C.
Other names: c.2101A>G, p.Arg701Gly (NM_001354609.2, NM_001378468.1, NM_001378474.1); c.2221A>G, p.Arg741Gly (NM_001374244.1, NM_001374258.1); c.2110A>G, p.Arg704Gly (NM_001378467.1); c.2035A>G, p.Arg679Gly (NM_001378469.1); c.1999A>G, p.Arg667Gly (NM_001378470.1); c.1990A>G, p.Arg664Gly (NM_001378471.1); c.1945A>G, p.Arg649Gly (NM_001378472.1, NM_001378473.1); c.1837A>G, p.Arg613Gly (NM_001378475.1); short protein forms R701G, R613G, R649G, R664G, R667G, R679G, R704G, R741G.
Identifiers: ClinVar variation 279924 (VCV000279924.4), dbSNP rs886041257, ClinGen allele CA10602994.

ClinVar aggregate classification (germline): Uncertain significance. Review status: criteria provided, multiple submitters, no conflicts (2 of 4 stars). 3 submissions from 3 submitters: Uncertain significance (3). Last evaluated 2025-10-19.

Conditions:
BRAF-related disorder. Also called: BRAF-related condition.
RASopathy. Also called: rasopathies; Noonan spectrum disorder. Identifiers: Orphanet 536391, MedGen C5555857, MONDO:0021060.

Allele frequency attached by ClinVar (database versions not stated): gnomAD exomes 0.00001 and below 0.00001.
gnomAD v4.1: 3 of 1,612,650 alleles (0.00019%); highest among the groups gnomAD compares: Non-Finnish European, 0.00025%; no homozygotes.

Submissions (3):

Labcorp Genetics (formerly Invitae), Labcorp
Classification: Uncertain significance for RASopathy. Last evaluated: 2025-10-19. Review status: criteria provided, single submitter. Criteria: Invitae Variant Classification Sherloc (09022015). Collection method: clinical testing. Allele origin: germline.
Comment: This sequence change replaces arginine, which is basic and polar, with glycine, which is neutral and non-polar, at codon 701 of the BRAF protein (p.Arg701Gly). This variant is present in population databases (no rsID available, gnomAD 0.0009%). This variant has not been reported in the literature in individuals affected with BRAF-related conditions. ClinVar contains an entry for this variant (Variation ID: 279924). Invitae Evidence Modeling of protein sequence and biophysical properties (such as structural, functional, and spatial information, amino acid conservation, physicochemical variation, residue mobility, and thermodynamic stability) indicates that this missense variant is not expected to disrupt BRAF protein function with a negative predictive value of 80%. In summary, the available evidence is currently insufficient to determine the role of this variant in disease. Therefore, it has been classified as a Variant of Uncertain Significance.

PreventionGenetics, part of Exact Sciences
Classification: Uncertain significance for BRAF-related condition. Last evaluated: 2022-08-18. Review status: criteria provided, single submitter. Criteria: ACMG Guidelines, 2015. Collection method: clinical testing. Allele origin: germline.
Comment: The BRAF c.2101A>G variant is predicted to result in the amino acid substitution p.Arg701Gly. To our knowledge, this variant has not been reported in the literature. This variant is reported in 0.00088% of alleles in individuals of European (Non-Finnish) descent in gnomAD. At this time, the clinical significance of this variant is uncertain due to the absence of conclusive functional and genetic evidence.

GeneDx
Classification: Uncertain significance. Last evaluated: 2017-04-18. Review status: criteria provided, single submitter. Criteria: GeneDx Variant Classification (06012015). Collection method: clinical testing. Allele origin: germline. Affected: yes.
Comment: The R701G variant has not been published as a pathogenic variant, nor has it been reported as a benign variant to our knowledge. The variant was not observed in approximately 6,500 individuals of European and African American ancestry in the NHLBI Exome Sequencing Project, indicating it is not a common benign variant in these populations. R701G is a non-conservative amino acid substitution, which is likely to impact secondary protein structure as these residues differ in polarity, charge, size and/or other properties. This substitution occurs at a position that is conserved across species; however, in silico analysis is inconsistent in its predictions as to whether or not the variant is damaging to the protein structure/function. Therefore, based on the currently available information, it is unclear whether this variant is a pathogenic variant or a rare benign variant.